The following is an entry in ClinVar:

NM_000070.3(CAPN3):c.965A>G (p.Tyr322Cys)

Gene: CAPN3 (calpain 3; plus strand). Cytogenetic location: 15q15.1.
Variant type: single nucleotide variant.
Coding change: c.965A>G on transcript NM_000070.3 (MANE Select); coding-DNA position 965, A replaced by G.
Protein change: p.Tyr322Cys; replaces tyrosine 322 with cysteine.
Molecular consequence: missense variant.
Genome position (GRCh38, 1-based): chr15:42,392,658, A>G. VCF-style: chr15-42392658-A-G. GRCh37 (hg19) VCF-style: chr15-42684856-A-G.
Other names: c.965A>G, p.Tyr322Cys (NM_024344.2); c.821A>G, p.Tyr274Cys (NM_173087.2); short protein forms Y274C, Y322C.
Identifiers: ClinVar variation 990242 (VCV000990242.4), dbSNP rs2053589191, ClinGen allele CA391998776.

ClinVar aggregate classification (germline): Uncertain significance. Review status: criteria provided, single submitter (1 of 4 stars). 2 submissions from 2 submitters: Uncertain significance (1). 1 of the submissions does not count toward it. Last evaluated 2021-11-25.

Conditions:
Autosomal recessive limb-girdle muscular dystrophy type 2A (LGMDR1). Also called: Limb-girdle muscular dystrophy, type 2A; Calpainopathy; LEYDEN-MOEBIUS MUSCULAR DYSTROPHY; MUSCULAR DYSTROPHY, PELVOFEMORAL; Muscular dystrophy, limb-girdle, type 2A, Amish. Identifiers: Orphanet 267, MedGen C1869123, MONDO:0009675, OMIM 253600. Disease mechanism: loss of function.

Submissions (2):

Labcorp Genetics (formerly Invitae), Labcorp
Classification: Uncertain significance for Autosomal recessive limb-girdle muscular dystrophy type 2A. Last evaluated: 2021-11-25. Review status: criteria provided, single submitter. Criteria: Invitae Variant Classification Sherloc (09022015). Collection method: clinical testing. Allele origin: germline.
Comment: This sequence change replaces tyrosine, which is neutral and polar, with cysteine, which is neutral and slightly polar, at codon 322 of the CAPN3 protein (p.Tyr322Cys). This variant is not present in population databases (gnomAD no frequency). This variant has not been reported in the literature in individuals affected with CAPN3-related conditions. ClinVar contains an entry for this variant (Variation ID: 990242). Algorithms developed to predict the effect of missense changes on protein structure and function are either unavailable or do not agree on the potential impact of this missense change (SIFT: "Deleterious"; PolyPhen-2: "Benign"; Align-GVGD: "Class C0"). Algorithms developed to predict the effect of sequence changes on RNA splicing suggest that this variant may create or strengthen a splice site. In summary, the available evidence is currently insufficient to determine the role of this variant in disease. Therefore, it has been classified as a Variant of Uncertain Significance.

Natera, Inc.
Classification: Uncertain significance for Limb-girdle muscular dystrophy type 2A. Last evaluated: 2020-04-17. Review status: no assertion criteria provided. Collection method: clinical testing. Allele origin: germline. Not counted in ClinVar's aggregate classification.